The following is an entry in ClinVar:

ClinVar aggregate classification (germline): Uncertain significance (1 of 4 stars; one submission).

Allele frequency attached by ClinVar (database versions not stated): ExAC 0.00001.
gnomAD v4.1: 1 of 1,612,700 alleles (0.000062%); highest among the groups gnomAD compares: Non-Finnish European, 0.000085%; no homozygotes.

Submission:

Labcorp Genetics (formerly Invitae), Labcorp
Classification: Uncertain significance. Last evaluated: 2021-09-01. Review status: criteria provided, single submitter. Criteria: Invitae Variant Classification Sherloc (09022015). Collection method: clinical testing. Allele origin: germline.
Comment: This sequence change replaces aspartic acid with glutamic acid at codon 10 of the TUBGCP6 protein (p.Asp10Glu). The aspartic acid residue is weakly conserved and there is a small physicochemical difference between aspartic acid and glutamic acid. This variant is present in population databases (rs745831265, ExAC 0.002%). This variant has not been reported in the literature in individuals affected with TUBGCP6-related conditions. Algorithms developed to predict the effect of missense changes on protein structure and function output the following: SIFT: "Tolerated"; PolyPhen-2: "Possibly Damaging"; Align-GVGD: "Class C0". The glutamic acid amino acid residue is found in multiple mammalian species, which suggests that this missense change does not adversely affect protein function. In summary, the available evidence is currently insufficient to determine the role of this variant in disease. Therefore, it has been classified as a Variant of Uncertain Significance.

NM_020461.4(TUBGCP6):c.30C>A (p.Asp10Glu)

Gene: TUBGCP6 (tubulin gamma complex component 6; minus strand). Cytogenetic location: 22q13.33.
Variant type: single nucleotide variant.
Coding change: c.30C>A on transcript NM_020461.4 (MANE Select); coding-DNA position 30, C replaced by A.
Protein change: p.Asp10Glu; replaces aspartic acid 10 with glutamic acid.
Molecular consequence: missense variant.
Genome position (GRCh38, 1-based): chr22:50,244,430, G>T on the plus strand (C>A on the coding strand, the complement: TUBGCP6 is on the minus strand). VCF-style: chr22-50244430-G-T. GRCh37 (hg19) VCF-style: chr22-50682859-G-T.
Other names: short protein forms D10E.
Identifiers: ClinVar variation 1040228 (VCV001040228.6), dbSNP rs745831265, ClinGen allele CA10309142.